The following is an entry in ClinVar:

NM_001853.4(COL9A3):c.79-7G>A

Gene: COL9A3 (collagen type IX alpha 3 chain; plus strand). Cytogenetic location: 20q13.33.
Variant type: single nucleotide variant.
Coding change: c.79-7G>A on transcript NM_001853.4 (MANE Select); 7 bases into the intron before coding-DNA position 79, G replaced by A.
Molecular consequence: intron variant.
Genome position (GRCh38, 1-based): chr20:62,817,560, G>A. VCF-style: chr20-62817560-G-A. GRCh37 (hg19) VCF-style: chr20-61448912-G-A.
Identifiers: ClinVar variation 724745 (VCV000724745.22), dbSNP rs200155296, ClinGen allele CA9948998.

ClinVar aggregate classification (germline): Likely benign. Review status: criteria provided, multiple submitters, no conflicts (2 of 4 stars). 6 submissions from 6 submitters: Likely benign (5). 1 of the submissions does not count toward it. Last evaluated 2026-02-01.

Conditions:
COL9A3-related disorder. Also called: COL9A3-related condition.

Allele frequency attached by ClinVar (database versions not stated): gnomAD exomes 0.00014 and 0.00025; ExAC 0.00053; 1000 Genomes Project 0.00100; 1000 Genomes Project 30x 0.00156; gnomAD 0.00161 and 0.00180; TOPMed 0.00196; ESP Exome Variant Server 0.00201.
gnomAD v4.1: 454 of 1,540,978 alleles (0.029%); highest among the groups gnomAD compares: African/African-American, 0.56%; 2 homozygotes.

Submissions (6):

CeGaT Center for Human Genetics Tuebingen
Classification: Likely benign. Last evaluated: 2026-02-01. Review status: criteria provided, single submitter. Criteria: CeGaT Center For Human Genetics Tuebingen Variant Classification Criteria Version 2. Collection method: clinical testing. Allele origin: germline. Affected: yes. Observed: 1 variant allele.
Comment: COL9A3: BP4, BS2

Labcorp Genetics (formerly Invitae), Labcorp
Classification: Likely benign. Last evaluated: 2026-01-24. Review status: criteria provided, single submitter. Criteria: Invitae Variant Classification Sherloc (09022015). Collection method: clinical testing. Allele origin: germline.

Women's Health and Genetics/Laboratory Corporation of America, LabCorp
Classification: Likely benign. Last evaluated: 2026-01-06. Review status: criteria provided, single submitter. Criteria: LabCorp Variant Classification Summary - May 2015. Collection method: clinical testing. Allele origin: germline.

Blueprint Genetics
Classification: Likely benign. Last evaluated: 2024-04-24. Review status: criteria provided, single submitter. Criteria: ACMG Guidelines, 2015. Collection method: clinical testing. Allele origin: germline.

GeneDx
Classification: Likely benign. Last evaluated: 2020-11-30. Review status: criteria provided, single submitter. Criteria: GeneDx Variant Classification Process June 2021. Collection method: clinical testing. Allele origin: germline. Affected: yes.

PreventionGenetics, part of Exact Sciences
Classification: Benign for COL9A3-related condition. Last evaluated: 2019-07-26. Review status: no assertion criteria provided. Collection method: clinical testing. Allele origin: germline. Not counted in ClinVar's aggregate classification.
Comment: This variant is classified as benign based on ACMG/AMP sequence variant interpretation guidelines (Richards et al. 2015 PMID: 25741868, with internal and published modifications).